The following is an entry in ClinVar:

ClinVar aggregate classification (germline): Uncertain significance (1 of 4 stars; one submission).

Conditions:
Hyperkalemic periodic paralysis. Also called: Familial hyperkalemic periodic paralysis; Gamstorp disease. Identifiers: Orphanet 682, MedGen C0238357, MONDO:0008224, OMIM 170500, HP:0007215.

Allele frequency attached by ClinVar (database versions not stated): gnomAD exomes below 0.00001; gnomAD 0.00001; TOPMed 0.00001.
gnomAD v4.1: 4 of 1,612,506 alleles (0.00025%); highest among the groups gnomAD compares: Admixed American, 0.0017%; no homozygotes.

Submission:

Labcorp Genetics (formerly Invitae), Labcorp
Classification: Uncertain significance for Hyperkalemic periodic paralysis. Last evaluated: 2024-08-31. Review status: criteria provided, single submitter. Criteria: Invitae Variant Classification Sherloc (09022015). Collection method: clinical testing. Allele origin: germline.
Comment: This sequence change falls in intron 23 of the SCN4A gene. It does not directly change the encoded amino acid sequence of the SCN4A protein. It affects a nucleotide within the consensus splice site. This variant is not present in population databases (gnomAD no frequency). This variant has not been reported in the literature in individuals affected with SCN4A-related conditions. Variants that disrupt the consensus splice site are a relatively common cause of aberrant splicing (PMID: 17576681, 9536098). Algorithms developed to predict the effect of sequence changes on RNA splicing suggest that this variant is not likely to affect RNA splicing. In summary, the available evidence is currently insufficient to determine the role of this variant in disease. Therefore, it has been classified as a Variant of Uncertain Significance.

Literature cited by the submitters: PubMed 17576681; PubMed 9536098.

NM_000334.4(SCN4A):c.4288+3G>A

Genes: GH-LCR (growth hormone locus control region; plus strand), SCN4A (sodium voltage-gated channel alpha subunit 4; minus strand). Cytogenetic location: 17q23.3.
Variant type: single nucleotide variant.
Coding change: c.4288+3G>A on transcript NM_000334.4 (MANE Select); 3 bases into the intron after coding-DNA position 4288, G replaced by A.
Molecular consequence: intron variant.
Genome position (GRCh38, 1-based): chr17:63,942,823, C>T on the plus strand (G>A on the coding strand, the complement: SCN4A is on the minus strand). VCF-style: chr17-63942823-C-T. GRCh37 (hg19) VCF-style: chr17-62020183-C-T.
Identifiers: ClinVar variation 3007893 (VCV003007893.3), dbSNP rs1256372516, ClinGen allele CA774007821.